The following is an entry in ClinVar:

ClinVar aggregate classification (germline): Uncertain significance (1 of 4 stars; one submission).

Conditions:
Brugada syndrome. Also called: Sudden unexpected nocturnal death syndrome; Sudden Unexplained Death Syndrome; Sudden Unexplained Nocturnal Death Syndrome (SUNDS); Sudden unexplained nocturnal death syndrome. Identifiers: Orphanet 130, MedGen C1142166, MONDO:0015263.

Allele frequency attached by ClinVar (database versions not stated): TOPMed below 0.00001; ExAC 0.00001; gnomAD 0.00001; gnomAD exomes 0.00001; ESP Exome Variant Server 0.00008.
gnomAD v4.1: 5 of 1,611,826 alleles (0.00031%); highest among the groups gnomAD compares: Non-Finnish European, 0.00042%; no homozygotes.

Submission:

Labcorp Genetics (formerly Invitae), Labcorp
Classification: Uncertain significance for Brugada syndrome. Last evaluated: 2022-05-21. Review status: criteria provided, single submitter. Criteria: Invitae Variant Classification Sherloc (09022015). Collection method: clinical testing. Allele origin: germline.
Comment: In summary, the available evidence is currently insufficient to determine the role of this variant in disease. Therefore, it has been classified as a Variant of Uncertain Significance. This sequence change replaces serine, which is neutral and polar, with tyrosine, which is neutral and polar, at codon 680 of the SLMAP protein (p.Ser680Tyr). This variant is present in population databases (rs138424195, gnomAD 0.0009%). This variant has not been reported in the literature in individuals affected with SLMAP-related conditions. Algorithms developed to predict the effect of missense changes on protein structure and function are either unavailable or do not agree on the potential impact of this missense change (SIFT: "Deleterious"; PolyPhen-2: "Probably Damaging"; Align-GVGD: "Class C0").

NM_001377540.1(SLMAP):c.2141C>A (p.Ser714Tyr)

Gene: SLMAP (sarcolemma associated protein; plus strand). Cytogenetic location: 3p14.3.
Variant type: single nucleotide variant.
Coding change: c.2141C>A on transcript NM_001377540.1 (MANE Select); coding-DNA position 2141, C replaced by A.
Protein change: p.Ser714Tyr; replaces serine 714 with tyrosine.
Molecular consequence: missense variant. On other transcripts: non-coding transcript variant (1).
Genome position (GRCh38, 1-based): chr3:57,916,908, C>A. VCF-style: chr3-57916908-C-A. GRCh37 (hg19) VCF-style: chr3-57902635-C-A.
Other names: c.2090C>A, p.Ser697Tyr (NM_001304420.3, NM_001377541.1, NM_001377542.1); c.1976C>A, p.Ser659Tyr (NM_001304421.2, NM_001377557.1, NM_001377559.1); c.692C>A, p.Ser231Tyr (NM_001304422.3, NM_001311178.2); c.494C>A, p.Ser165Tyr (NM_001304423.3); c.569C>A, p.Ser190Tyr (NM_001311179.2, NM_001377926.1, NM_001377927.1); c.2162C>A, p.Ser721Tyr (NM_001377538.1); c.2141C>A, p.Ser714Tyr (NM_001377539.1); c.2078C>A, p.Ser693Tyr (NM_001377545.1); and 8 more; short protein forms S231Y, S656Y, S680Y, S652Y, S676Y, S165Y, S618Y, S635Y.
Identifiers: ClinVar variation 1997296 (VCV001997296.4), dbSNP rs138424195, ClinGen allele CA2467309.